The following is an entry in ClinVar:

ClinVar aggregate classification (germline): Uncertain significance. Review status: criteria provided, multiple submitters, no conflicts (2 of 4 stars). 3 submissions from 3 submitters: Uncertain significance (3). Last evaluated 2025-04-02.

Conditions:
Cardiovascular phenotype. Identifiers: MedGen CN230736.
Myofibrillar myopathy 4. Also called: Zaspopathy (type). Identifiers: Orphanet 98912, MedGen C4721886, MONDO:0012277, OMIM 609452.

Allele frequency attached by ClinVar (database versions not stated): TOPMed below 0.00001; gnomAD exomes 0.00001.
gnomAD v4.1: 15 of 1,609,572 alleles (0.00093%); highest among the groups gnomAD compares: Non-Finnish European, 0.0011%; no homozygotes.

Submissions (3):

Labcorp Genetics (formerly Invitae), Labcorp
Classification: Uncertain significance for Myofibrillar myopathy 4. Last evaluated: 2025-04-02. Review status: criteria provided, single submitter. Criteria: Invitae Variant Classification Sherloc (09022015). Collection method: clinical testing. Allele origin: germline.
Comment: The LDB3 gene has multiple clinically relevant transcripts. This variant occurs in alternate transcript NM_007078.3, and corresponds to NM_001080116.1:c.321+1334C>T in the primary transcript. This sequence change replaces alanine, which is neutral and non-polar, with valine, which is neutral and non-polar, at codon 126 of the LDB3 protein (p.Ala126Val). This variant is not present in population databases (gnomAD no frequency). This variant has not been reported in the literature in individuals affected with LDB3-related conditions. ClinVar contains an entry for this variant (Variation ID: 1938949). Experimental studies and prediction algorithms are not available or were not evaluated, and the functional significance of this variant is currently unknown. Algorithms developed to predict the effect of sequence changes on RNA splicing suggest that this variant may create or strengthen a splice site. In summary, the available evidence is currently insufficient to determine the role of this variant in disease. Therefore, it has been classified as a Variant of Uncertain Significance.

Ambry Genetics
Classification: Uncertain significance for Cardiovascular phenotype. Last evaluated: 2024-05-17. Review status: criteria provided, single submitter. Criteria: Ambry Variant Classification Scheme 2023. Collection method: clinical testing. Allele origin: germline.
Comment: The p.A126V variant (also known as c.377C>T), located in coding exon 4 of the LDB3 gene, results from a C to T substitution at nucleotide position 377. The alanine at codon 126 is replaced by valine, an amino acid with similar properties. This amino acid position is not well conserved in available vertebrate species. In addition, this alteration is predicted to be tolerated by in silico analysis. Based on the available evidence, the clinical significance of this variant remains unclear.

Breakthrough Genomics
Classification: Uncertain significance. Review status: criteria provided, single submitter. Criteria: ACMG Guidelines, 2015. Collection method: not provided. Allele origin: germline. Inheritance: Autosomal dominant inheritance. Affected: yes.

NM_007078.3(LDB3):c.377C>T (p.Ala126Val)

Gene: LDB3 (LIM domain binding 3; plus strand). Cytogenetic location: 10q23.2.
Variant type: single nucleotide variant.
Coding change: c.377C>T on transcript NM_007078.3 (MANE Select); coding-DNA position 377, C replaced by T.
Protein change: p.Ala126Val; replaces alanine 126 with valine.
Molecular consequence: missense variant. On other transcripts: intron variant (5).
Genome position (GRCh38, 1-based): chr10:86,681,491, C>T. VCF-style: chr10-86681491-C-T. GRCh37 (hg19) VCF-style: chr10-88441248-C-T.
Other names: c.377C>T, p.Ala126Val (NM_001080115.2, NM_001171610.2, NM_001171611.2 and 3 more transcripts); c.321+1334C>T (NM_001368068.1, NM_001368066.1, NM_001080114.2 and 2 more transcripts); short protein forms A126V.
Identifiers: ClinVar variation 1938949 (VCV001938949.7), dbSNP rs746181094, ClinGen allele CA211211773.
Genomic context (GRCh38, chr10:86,681,491, plus strand): 5'-GCCAGGACCCCGCTCTGGACACGAACGGCAGCCTGGTGGCACCCAGCCCCAGCCCTGAGG[C>T]GAGGGCCAGCCCAGGCACCCCAGGCACCCCGGAGCTCAGGCCCACCTTTAGCCCTGCCTT-3'
Protein context (NP_009009.1, residues 116-136): SLVAPSPSPE[Ala126Val]RASPGTPGTP